The following is an entry in ClinVar:

NM_004408.4(DNM1):c.1577T>C (p.Leu526Pro)

Gene: DNM1 (dynamin 1; plus strand). Cytogenetic location: 9q34.11.
Variant type: single nucleotide variant.
Coding change: c.1577T>C on transcript NM_004408.4 (MANE Select); coding-DNA position 1577, T replaced by C.
Protein change: p.Leu526Pro; replaces leucine 526 with proline.
Molecular consequence: missense variant.
Genome position (GRCh38, 1-based): chr9:128,242,251, T>C. VCF-style: chr9-128242251-T-C. GRCh37 (hg19) VCF-style: chr9-131004530-T-C.
Other names: c.1577T>C, p.Leu526Pro (NM_001005336.3, NM_001288737.2, NM_001288738.2 and 2 more transcripts); short protein forms L526P.
Identifiers: ClinVar variation 3773646 (VCV003773646.2).

ClinVar aggregate classification (germline): Likely pathogenic (1 of 4 stars; one submission).

Conditions:
Developmental and epileptic encephalopathy, 31A. Also called: Epileptic encephalopathy, early infantile, 31; Developmental and epileptic encephalopathy, 31. Identifiers: Orphanet 2382, MedGen C4225357, MONDO:0014598, OMIM 616346.

Submission:

Institute of Human Genetics, University of Leipzig Medical Center
Classification: Likely pathogenic for Developmental and epileptic encephalopathy, 31A. Last evaluated: 2025-03-04. Review status: criteria provided, single submitter. Criteria: ACMG Guidelines, 2015. Collection method: clinical testing. Allele origin: de novo. Inheritance: Autosomal dominant inheritance. Affected: yes.
Comment: Criteria applied: PS2_MOD,PM1,PM2,PP2,PP3